The following is an entry in ClinVar:

NM_020366.4(RPGRIP1):c.137T>C (p.Leu46Ser)

Gene: RPGRIP1 (RPGR interacting protein 1; plus strand). Cytogenetic location: 14q11.2.
Variant type: single nucleotide variant.
Coding change: c.137T>C on transcript NM_020366.4 (MANE Select); coding-DNA position 137, T replaced by C.
Protein change: p.Leu46Ser; replaces leucine 46 with serine.
Molecular consequence: missense variant.
Genome position (GRCh38, 1-based): chr14:21,294,728, T>C. VCF-style: chr14-21294728-T-C. GRCh37 (hg19) VCF-style: chr14-21762887-T-C.
Other names: c.137T>C (NM_020366.3); short protein forms L46S.
Identifiers: ClinVar variation 2086031 (VCV002086031.4), dbSNP rs371044065, ClinGen allele CA7088576.

ClinVar aggregate classification (germline): Uncertain significance. Review status: criteria provided, multiple submitters, no conflicts (2 of 4 stars). 2 submissions from 2 submitters: Uncertain significance (2). Last evaluated 2024-09-26.

Conditions:
Inborn genetic diseases. Identifiers: MedGen C0950123, MeSH D030342.
Cone-rod dystrophy 13 (CORD13). Identifiers: Orphanet 1872, MedGen C2750720, MONDO:0011987, OMIM 608194.
Leber congenital amaurosis 6 (LCA6). Identifiers: Orphanet 65, MedGen C1854260, MONDO:0013446, OMIM 613826.

Allele frequency attached by ClinVar (database versions not stated): ExAC 0.00001; ESP Exome Variant Server 0.00008.
gnomAD v4.1: 29 of 1,613,290 alleles (0.0018%); highest among the groups gnomAD compares: African/African-American, 0.0027%; no homozygotes.

Submissions (2):

Ambry Genetics
Classification: Uncertain significance for Inborn genetic diseases. Last evaluated: 2024-09-26. Review status: criteria provided, single submitter. Criteria: Ambry Variant Classification Scheme 2023. Collection method: clinical testing. Allele origin: germline.

Labcorp Genetics (formerly Invitae), Labcorp
Classification: Uncertain significance for Leber congenital amaurosis 6; Cone-rod dystrophy 13. Last evaluated: 2022-07-09. Review status: criteria provided, single submitter. Criteria: Invitae Variant Classification Sherloc (09022015). Collection method: clinical testing. Allele origin: germline.
Comment: This variant has not been reported in the literature in individuals affected with RPGRIP1-related conditions. Algorithms developed to predict the effect of missense changes on protein structure and function are either unavailable or do not agree on the potential impact of this missense change (SIFT: "Tolerated"; PolyPhen-2: "Possibly Damaging"; Align-GVGD: "Class C0"). In summary, the available evidence is currently insufficient to determine the role of this variant in disease. Therefore, it has been classified as a Variant of Uncertain Significance. This variant is present in population databases (rs371044065, gnomAD 0.004%). This sequence change replaces leucine, which is neutral and non-polar, with serine, which is neutral and polar, at codon 46 of the RPGRIP1 protein (p.Leu46Ser).